The following is an entry in ClinVar:

ClinVar aggregate classification (germline): Uncertain significance (1 of 4 stars; one submission).

Conditions:
Familial cold autoinflammatory syndrome 2 (FCAS2). Identifiers: Orphanet 247868, MedGen C2673198, MONDO:0012724, OMIM 611762.

Submission:

Labcorp Genetics (formerly Invitae), Labcorp
Classification: Uncertain significance for Familial cold autoinflammatory syndrome 2. Last evaluated: 2024-11-17. Review status: criteria provided, single submitter. Criteria: Invitae Variant Classification Sherloc (09022015). Collection method: clinical testing. Allele origin: germline.
Comment: This variant, c.79_81del, results in the deletion of 1 amino acid(s) of the NLRP12 protein (p.Lys27del), but otherwise preserves the integrity of the reading frame. This variant is not present in population databases (gnomAD no frequency). This variant has not been reported in the literature in individuals affected with NLRP12-related conditions. ClinVar contains an entry for this variant (Variation ID: 964328). Experimental studies and prediction algorithms are not available or were not evaluated, and the functional significance of this variant is currently unknown. In summary, the available evidence is currently insufficient to determine the role of this variant in disease. Therefore, it has been classified as a Variant of Uncertain Significance.

NM_144687.4(NLRP12):c.76AAG[1] (p.Lys27del)

Gene: NLRP12 (NLR family pyrin domain containing 12; minus strand). Cytogenetic location: 19q13.42.
Variant type: Microsatellite.
Coding change: c.76AAG[1] on transcript NM_144687.4 (MANE Select); one copy of the 3-base unit AAG starting at c.76; the reference has two copies in a row; one copy, 3 bases deleted.
Protein change: p.Lys27del; deletes lysine 27.
Molecular consequence: inframe deletion.
Genome position (GRCh38, 1-based): chr19:53,824,094-53,824,096, CTT deleted on the plus strand (AAG on the coding strand, the reverse complement: NLRP12 is on the minus strand); deleting any 3 consecutive bases within chr19:53,824,094-53,824,100 gives the same sequence; the position shown is the placement nearest the transcript's 3' end. VCF-style (leftmost placement, unchanged base first): chr19-53824093-ACTT-A. GRCh37 (hg19) VCF-style: chr19-54327347-ACTT-A.
Other names: c.76AAG[1], p.Lys27del (NM_001277126.2, NM_001277129.1); short protein forms K27del.
Identifiers: ClinVar variation 964328 (VCV000964328.7), dbSNP rs2092308139, ClinGen allele CA2342544865.